The following is an entry in ClinVar:

NM_004472.3(FOXD1):c.333C>A (p.Gly111=)

Gene: FOXD1 (forkhead box D1; minus strand). Cytogenetic location: 5q13.2.
Variant type: single nucleotide variant.
Coding change: c.333C>A on transcript NM_004472.3 (MANE Select); coding-DNA position 333, C replaced by A.
Protein change: p.Gly111=; no amino-acid change (glycine 111 retained).
Molecular consequence: synonymous variant.
Genome position (GRCh38, 1-based): chr5:73,448,030, G>T on the plus strand (C>A on the coding strand, the complement: FOXD1 is on the minus strand). VCF-style: chr5-73448030-G-T. GRCh37 (hg19) VCF-style: chr5-72743855-G-T.
Identifiers: ClinVar variation 3047045 (VCV003047045.2), dbSNP rs756777009, ClinGen allele CA3303099.

ClinVar aggregate classification (germline): Likely benign (0 of 4 stars; one submission).

Conditions:
FOXD1-related disorder. Also called: FOXD1-related condition.

Allele frequency attached by ClinVar (database versions not stated): gnomAD 0.00001; gnomAD exomes 0.00002; ExAC 0.00013.
gnomAD v4.1: 24 of 1,305,940 alleles (0.0018%); highest among the groups gnomAD compares: Non-Finnish European, 0.0024%; no homozygotes.

Submission:

PreventionGenetics, part of Exact Sciences
Classification: Likely benign for FOXD1-related condition. Last evaluated: 2021-06-09. Review status: no assertion criteria provided. Collection method: clinical testing. Allele origin: germline.
Comment: This variant is classified as likely benign based on ACMG/AMP sequence variant interpretation guidelines (Richards et al. 2015 PMID: 25741868, with internal and published modifications).